The following is an entry in ClinVar:

ClinVar aggregate classification (germline): Uncertain significance (1 of 4 stars; one submission).

Conditions:
TCF7L2-related disorder. Also called: TCF7L2-related condition.

Submission:

PreventionGenetics, part of Exact Sciences
Classification: Uncertain significance for TCF7L2-related condition. Last evaluated: 2025-05-02. Review status: criteria provided, single submitter. Criteria: ACMG Guidelines, 2015. Collection method: clinical testing. Allele origin: germline.
Comment: The TCF7L2 c.296C>A variant is predicted to result in the amino acid substitution p.Pro99Gln. To our knowledge, this variant has not been reported in the literature or in a large population database, indicating this variant is rare. At this time, the clinical significance of this variant is uncertain due to the absence of conclusive functional and genetic evidence.

NM_001367943.1(TCF7L2):c.296C>A (p.Pro99Gln)

Gene: TCF7L2 (transcription factor 7 like 2; plus strand). Cytogenetic location: 10q25.2.
Variant type: single nucleotide variant.
Coding change: c.296C>A on transcript NM_001367943.1 (MANE Select); coding-DNA position 296, C replaced by A.
Protein change: p.Pro99Gln; replaces proline 99 with glutamine.
Molecular consequence: missense variant.
Genome position (GRCh38, 1-based): chr10:112,951,522, C>A. VCF-style: chr10-112951522-C-A. GRCh37 (hg19) VCF-style: chr10-114711281-C-A.
Other names: c.296C>A, p.Pro99Gln (NM_001146274.2, NM_001146283.2, NM_001146284.2 and 11 more transcripts); short protein forms P99Q.
Identifiers: ClinVar variation 3048632 (VCV003048632.3), dbSNP rs753753787, ClinGen allele CA378531961.
Genomic context (GRCh38, chr10:112,951,522, plus strand): 5'-CTCGCCGCCCCGCCATGTTAGCGGCCAAGAGGCAAGATGGAGGGCTCTTTAAGGGGCCAC[C>A]GTATCCCGGCTACCCCTTCATCATGATCCCCGACCTGACGAGCCCCTACCTCCCCAACGG-3'
Protein context (NP_001354872.1, residues 89-109): RQDGGLFKGP[Pro99Gln]YPGYPFIMIP